The following is an entry in ClinVar:

NM_001846.4(COL4A2):c.14A>G (p.Gln5Arg)

Gene: COL4A2 (collagen type IV alpha 2 chain; plus strand). Cytogenetic location: 13q34.
Variant type: single nucleotide variant.
Coding change: c.14A>G on transcript NM_001846.4 (MANE Select); coding-DNA position 14, A replaced by G.
Protein change: p.Gln5Arg; replaces glutamine 5 with arginine.
Molecular consequence: missense variant.
Genome position (GRCh38, 1-based): chr13:110,307,917, A>G. VCF-style: chr13-110307917-A-G. GRCh37 (hg19) VCF-style: chr13-110960264-A-G.
Other names: short protein forms Q5R.
Identifiers: ClinVar variation 4998780 (VCV004998780.1).

ClinVar aggregate classification (germline): Uncertain significance (1 of 4 stars; one submission).

Conditions:
COL4A2-related disorder. Also called: COL4A2-related disorders; COL4A2-related condition.

gnomAD v4.1: 1 of 1,612,864 alleles (0.000062%); highest among the groups gnomAD compares: Non-Finnish European, 0.000085%; no homozygotes.

Submission:

PreventionGenetics, part of Exact Sciences
Classification: Uncertain significance for COL4A2-related condition. Last evaluated: 2026-04-21. Review status: criteria provided, single submitter. Criteria: ACMG Guidelines, 2015. Collection method: clinical testing. Allele origin: germline.
Comment: The COL4A2 c.14A>G variant is predicted to result in the amino acid substitution p.Gln5Arg. To our knowledge, this variant has not been reported in the literature. This variant is reported in 0.00090% of alleles in individuals of European (Non-Finnish) descent in gnomAD. At this time, the clinical significance of this variant is uncertain due to the absence of conclusive functional and genetic evidence.